The following is an entry in ClinVar:

NM_032634.4(PIGO):c.3069G>T (p.Gln1023His)

Gene: PIGO (phosphatidylinositol glycan anchor biosynthesis class O; minus strand). Cytogenetic location: 9p13.3.
Variant type: single nucleotide variant.
Coding change: c.3069G>T on transcript NM_032634.4 (MANE Select); coding-DNA position 3069, G replaced by T.
Protein change: p.Gln1023His; replaces glutamine 1023 with histidine.
Molecular consequence: missense variant.
Genome position (GRCh38, 1-based): chr9:35,090,066, C>A on the plus strand (G>T on the coding strand, the complement: PIGO is on the minus strand). VCF-style: chr9-35090066-C-A. GRCh37 (hg19) VCF-style: chr9-35090063-C-A.
Other names: c.1818G>T, p.Gln606His (NM_001201484.2, NM_152850.4); short protein forms Q1023H, Q606H.
Identifiers: ClinVar variation 1040767 (VCV001040767.8), dbSNP rs746286276, ClinGen allele CA192708254.

ClinVar aggregate classification (germline): Uncertain significance (1 of 4 stars; one submission).

Conditions:
Hyperphosphatasia with impaired intellectual development syndrome 2. Also called: Hyperphosphatasia with intellectual disability syndrome 2; GLYCOSYLPHOSPHATIDYLINOSITOL BIOSYNTHESIS DEFECT 6. Identifiers: Orphanet 247262, MedGen C3553637, MONDO:0013882, OMIM 614749.

Allele frequency attached by ClinVar (database versions not stated): TOPMed below 0.00001; gnomAD 0.00001; gnomAD exomes 0.00001.
gnomAD v4.1: 12 of 1,612,840 alleles (0.00074%); highest among the groups gnomAD compares: Non-Finnish European, 0.001%; no homozygotes.

Submission:

Labcorp Genetics (formerly Invitae), Labcorp
Classification: Uncertain significance for Hyperphosphatasia with impaired intellectual development syndrome 2. Last evaluated: 2021-04-29. Review status: criteria provided, single submitter. Criteria: Invitae Variant Classification Sherloc (09022015). Collection method: clinical testing. Allele origin: germline.
Comment: This variant is not present in population databases (ExAC no frequency). This sequence change replaces glutamine with histidine at codon 1023 of the PIGO protein (p.Gln1023His). The glutamine residue is moderately conserved and there is a small physicochemical difference between glutamine and histidine. This variant also falls at the last nucleotide of exon 9 of the PIGO coding sequence, which is part of the consensus splice site for this exon. This variant has not been reported in the literature in individuals with PIGO-related conditions. In summary, the available evidence is currently insufficient to determine the role of this variant in disease. Therefore, it has been classified as a Variant of Uncertain Significance. Nucleotide substitutions within the consensus splice site are a relatively common cause of aberrant splicing (PMID: 17576681, 9536098). Algorithms developed to predict the effect of sequence changes on RNA splicing suggest that this variant may disrupt the consensus splice site, but this prediction has not been confirmed by published transcriptional studies. Algorithms developed to predict the effect of missense changes on protein structure and function are either unavailable or do not agree on the potential impact of this missense change (SIFT: "Tolerated"; PolyPhen-2: "Probably Damaging"; Align-GVGD: "Class C0").

Literature cited by the submitters: PubMed 17576681; PubMed 9536098.